The following is an entry in ClinVar:

ClinVar aggregate classification (germline): Uncertain significance (1 of 4 stars; one submission).

Conditions:
Short-rib thoracic dysplasia 6 with or without polydactyly (SRTD6). Also called: POLYDACTYLY WITH NEONATAL CHONDRODYSTROPHY, TYPE II; SHORT-RIB THORACIC DYSPLASIA 6 WITH POLYDACTYLY; SHORT-RIB THORACIC DYSPLASIA 6 WITHOUT POLYDACTYLY; SHORT RIB-POLYDACTYLY SYNDROME, TYPE IIA; Majewski Syndrome. Identifiers: MedGen C0024507, MONDO:0009894, OMIM 263520.

Submission:

Labcorp Genetics (formerly Invitae), Labcorp
Classification: Uncertain significance for Short-rib thoracic dysplasia 6 with or without polydactyly. Last evaluated: 2024-04-29. Review status: criteria provided, single submitter. Criteria: Invitae Variant Classification Sherloc (09022015). Collection method: clinical testing. Allele origin: germline.
Comment: This sequence change replaces serine, which is neutral and polar, with arginine, which is basic and polar, at codon 1126 of the NEK1 protein (p.Ser1126Arg). This variant is not present in population databases (gnomAD no frequency). This variant has not been reported in the literature in individuals affected with NEK1-related conditions. Advanced modeling of protein sequence and biophysical properties (such as structural, functional, and spatial information, amino acid conservation, physicochemical variation, residue mobility, and thermodynamic stability) performed at Invitae indicates that this missense variant is not expected to disrupt NEK1 protein function with a negative predictive value of 80%. In summary, the available evidence is currently insufficient to determine the role of this variant in disease. Therefore, it has been classified as a Variant of Uncertain Significance.

NM_001199397.3(NEK1):c.3462T>A (p.Ser1154Arg)

Gene: NEK1 (NIMA related kinase 1; minus strand). Cytogenetic location: 4q33.
Variant type: single nucleotide variant.
Coding change: c.3462T>A on transcript NM_001199397.3 (MANE Select); coding-DNA position 3462, T replaced by A.
Protein change: p.Ser1154Arg; replaces serine 1154 with arginine.
Molecular consequence: missense variant. On other transcripts: non-coding transcript variant (1).
Genome position (GRCh38, 1-based): chr4:169,401,773, A>T on the plus strand (T>A on the coding strand, the complement: NEK1 is on the minus strand). VCF-style: chr4-169401773-A-T. GRCh37 (hg19) VCF-style: chr4-170322924-A-T.
Other names: c.3330T>A, p.Ser1110Arg (NM_001199398.3); c.3171T>A, p.Ser1057Arg (NM_001199399.3); c.3246T>A, p.Ser1082Arg (NM_001199400.3); c.3462T>A, p.Ser1154Arg (NM_001374418.1); c.3378T>A, p.Ser1126Arg (NM_001374419.1, NM_012224.4); c.3327T>A, p.Ser1109Arg (NM_001374420.1); c.2979T>A, p.Ser993Arg (NM_001374421.1); short protein forms S1109R, S1082R, S1057R, S1126R, S1154R, S993R, S1110R.
Identifiers: ClinVar variation 3651529 (VCV003651529.2).